The following is an entry in ClinVar:

NM_014855.3(AP5Z1):c.281C>G (p.Ser94Cys)

Gene: AP5Z1 (adaptor related protein complex 5 subunit zeta 1; plus strand). Cytogenetic location: 7p22.1.
Variant type: single nucleotide variant.
Coding change: c.281C>G on transcript NM_014855.3 (MANE Select); coding-DNA position 281, C replaced by G.
Protein change: p.Ser94Cys; replaces serine 94 with cysteine.
Molecular consequence: missense variant. On other transcripts: non-coding transcript variant (1), intron variant (1).
Genome position (GRCh38, 1-based): chr7:4,781,669, C>G. VCF-style: chr7-4781669-C-G. GRCh37 (hg19) VCF-style: chr7-4821300-C-G.
Other names: c.281C>G, p.Ser94Cys (LRG_1247t1); c.-103+357C>G (NM_001364858.1); short protein forms S94C.
Identifiers: ClinVar variation 128413 (VCV000128413.28), dbSNP rs11549839, ClinGen allele CA151865.

ClinVar aggregate classification (germline): Benign/Likely benign. Review status: criteria provided, multiple submitters, no conflicts (2 of 4 stars). 9 submissions from 9 submitters: Benign (4); Likely benign (4). 1 of the submissions does not count toward it. Last evaluated 2026-02-01.

Conditions:
Hereditary spastic paraplegia. Also called: Familial spastic paraparesis. Identifiers: Orphanet 685, MedGen C0037773, MONDO:0019064. Disease mechanism: loss of function.
Hereditary spastic paraplegia 48. Also called: SPASTIC PARAPLEGIA 48, AUTOSOMAL RECESSIVE; Spastic paraplegia 48. Identifiers: Orphanet 306511, MedGen C3150901, MONDO:0013342, OMIM 613647.

Allele frequency attached by ClinVar (database versions not stated): 1000 Genomes Project 0.01258; 1000 Genomes Project 30x 0.01343; gnomAD 0.01367; TOPMed 0.01649; ESP Exome Variant Server 0.01723; gnomAD exomes 0.01735 and 0.02118; ExAC 0.01780.
gnomAD v4.1: 33,311 of 1,602,760 alleles (2.1%); highest among the groups gnomAD compares: Middle Eastern, 4.9%; 454 homozygotes.

Submissions (9):

Labcorp Genetics (formerly Invitae), Labcorp
Classification: Benign for Hereditary spastic paraplegia 48. Last evaluated: 2026-02-01. Review status: criteria provided, single submitter. Criteria: Invitae Variant Classification Sherloc (09022015). Collection method: clinical testing. Allele origin: germline.

Blueprint Genetics
Classification: Likely benign. Last evaluated: 2024-11-26. Review status: criteria provided, single submitter. Criteria: ACMG Guidelines, 2015. Collection method: clinical testing. Allele origin: germline.

Athena Diagnostics
Classification: Benign. Last evaluated: 2024-02-20. Review status: criteria provided, single submitter. Criteria: Athena Diagnostics Criteria. Collection method: clinical testing. Allele origin: unknown.

Mayo Clinic Laboratories, Mayo Clinic
Classification: Benign. Last evaluated: 2022-05-26. Review status: criteria provided, single submitter. Criteria: ACMG Guidelines, 2015. Collection method: clinical testing. Allele origin: germline. Observed: 60 variant alleles.

Genome Diagnostics Laboratory, The Hospital for Sick Children
Classification: Benign for Hereditary spastic paraplegia. Last evaluated: 2021-10-09. Review status: criteria provided, single submitter. Criteria: ACMG Guidelines, 2015. Collection method: clinical testing. Allele origin: germline. Affected: yes.

GeneDx
Classification: Likely benign. Last evaluated: 2021-08-30. Review status: criteria provided, single submitter. Criteria: GeneDx Variant Classification Process June 2021. Collection method: clinical testing. Allele origin: germline. Affected: yes.

Illumina Laboratory Services, Illumina
Classification: Likely benign for Hereditary spastic paraplegia 48. Last evaluated: 2018-01-13. Review status: criteria provided, single submitter. Criteria: ICSL Variant Classification Criteria 13 December 2019. Collection method: clinical testing. Allele origin: germline.
Comment: This variant was observed in the ICSL laboratory as part of a predisposition screen in an ostensibly healthy population. It had not been previously curated by ICSL or reported in the Human Gene Mutation Database (HGMD: prior to June 1st, 2018), and was therefore a candidate for classification through an automated scoring system. Utilizing variant allele frequency, disease prevalence and penetrance estimates, and inheritance mode, an automated score was calculated to assess if this variant is too frequent to cause the disease. Based on the score and internal cut-off values, a variant classified as likely benign is not then subjected to further curation. The score for this variant resulted in a classification of likely benign for this disease.

Breakthrough Genomics
Classification: Likely benign. Review status: criteria provided, single submitter. Criteria: ACMG Guidelines, 2015. Collection method: not provided. Allele origin: germline. Inheritance: Autosomal recessive inheritance. Affected: yes.

Genetic Services Laboratory, University of Chicago
Classification: Likely benign for AllHighlyPenetrant. Review status: no assertion criteria provided. Collection method: clinical testing. Allele origin: germline. Inheritance: Autosomal recessive inheritance. Not counted in ClinVar's aggregate classification.
Comment: Likely benign based on allele frequency in 1000 Genomes Project or ESP global frequency and its presence in a patient with a rare or unrelated disease phenotype. NOT Sanger confirmed.

Literature cited by the submitters: PubMed 25333062 (cited by Athena Diagnostics).